The following is an entry in ClinVar:

ClinVar aggregate classification (germline): Uncertain significance. Review status: criteria provided, single submitter (1 of 4 stars). 2 submissions from 2 submitters: Uncertain significance (1). 1 of the submissions does not count toward it. Last evaluated 2017-07-16.

Conditions:
Nemaline myopathy 2 (NEM2). Also called: Nemaline myopathy 2, autosomal recessive. Identifiers: MedGen C1850569, MONDO:0009725, OMIM 256030.

Allele frequency attached by ClinVar (database versions not stated): gnomAD exomes 0.00002.

Submissions (2):

Labcorp Genetics (formerly Invitae), Labcorp
Classification: Uncertain significance for Nemaline myopathy 2. Last evaluated: 2017-07-16. Review status: criteria provided, single submitter. Criteria: Invitae Variant Classification Sherloc (09022015). Collection method: clinical testing. Allele origin: germline.
Comment: This sequence change replaces aspartic acid with asparagine at codon 4340 of the NEB protein (p.Asp4340Asn). The aspartic acid residue is weakly conserved and there is a small physicochemical difference between aspartic acid and asparagine. This variant is not present in population databases (ExAC no frequency). This variant has not been reported in the literature in individuals with NEB-related disease. Algorithms developed to predict the effect of missense changes on protein structure and function do not agree on the potential impact of this missense change (SIFT: "Deleterious"; Align-GVGD: "Class C0"). In summary, the available evidence is currently insufficient to determine the role of this variant in disease. Therefore, it has been classified as a Variant of Uncertain Significance.

Natera, Inc.
Classification: Uncertain significance for Nemaline myopathy type 2. Last evaluated: 2019-11-11. Review status: no assertion criteria provided. Collection method: clinical testing. Allele origin: germline. Not counted in ClinVar's aggregate classification.

NM_001164508.2(NEB):c.13018G>A (p.Asp4340Asn)

Gene: NEB (nebulin; minus strand). Cytogenetic location: 2q23.3.
Variant type: single nucleotide variant.
Coding change: c.13018G>A on transcript NM_001164508.2 (MANE Select); coding-DNA position 13018, G replaced by A.
Protein change: p.Asp4340Asn; replaces aspartic acid 4340 with asparagine.
Molecular consequence: missense variant. On other transcripts: intron variant (1).
Genome position (GRCh38, 1-based): chr2:151,604,601, C>T on the plus strand (G>A on the coding strand, the complement: NEB is on the minus strand). VCF-style: chr2-151604601-C-T. GRCh37 (hg19) VCF-style: chr2-152461115-C-T.
Other names: c.13018G>A, p.Asp4340Asn (NM_001164507.2, NM_001271208.2); c.11601+5208G>A (NM_004543.5); short protein forms D4340N.
Identifiers: ClinVar variation 465469 (VCV000465469.6), dbSNP rs1462818722, ClinGen allele CA348772840.